The following is an entry in ClinVar:

ClinVar aggregate classification (germline): Uncertain significance. Review status: criteria provided, multiple submitters, no conflicts (2 of 4 stars). 3 submissions from 3 submitters: Uncertain significance (3). Last evaluated 2023-12-05.

Conditions:
Arrhythmogenic right ventricular dysplasia 5. Also called: Arrhythmogenic Right Ventricular Dysplasia/Cardiomyopathy 5; ARRHYTHMOGENIC RIGHT VENTRICULAR DYSPLASIA, FAMILIAL, 5. Identifiers: MedGen C1858379, MONDO:0011459, OMIM 604400.
Cardiomyopathy (CMYO). Also called: Cardiomyopathies. Identifiers: Orphanet 167848, MedGen C0878544, MONDO:0004994, HP:0001638. Inheritance: Various modes of inheritance.

Submissions (3):

Color Diagnostics, LLC DBA Color Health
Classification: Uncertain significance for Cardiomyopathy. Last evaluated: 2023-12-05. Review status: criteria provided, single submitter. Criteria: ACMG Guidelines, 2015. Collection method: clinical testing. Allele origin: germline.
Comment: Variant of Uncertain Significance due to insufficient evidence: This missense variant is located in the extracellular linker region of the TMEM43 protein. Computational prediction tools and conservation analyses are inconclusive regarding the impact of this variant on the protein function. Computational splicing tools suggest that this variant may not impact RNA splicing. To our knowledge, functional assays have not been performed for this variant nor has this variant been reported in individuals affected with cardiovascular disorders in the literature. This variant is rare in the general population and has been identified in 0/277264 chromosomes by the Genome Aggregation Database (gnomAD). Available evidence is insufficient to determine the pathogenicity of this variant conclusively.

Labcorp Genetics (formerly Invitae), Labcorp
Classification: Uncertain significance for Arrhythmogenic right ventricular dysplasia 5. Last evaluated: 2022-02-17. Review status: criteria provided, single submitter. Criteria: Invitae Variant Classification Sherloc (09022015). Collection method: clinical testing. Allele origin: germline.
Comment: ClinVar contains an entry for this variant (Variation ID: 629629). This variant has not been reported in the literature in individuals affected with TMEM43-related conditions. This variant is not present in population databases (gnomAD no frequency). This sequence change replaces phenylalanine, which is neutral and non-polar, with serine, which is neutral and polar, at codon 340 of the TMEM43 protein (p.Phe340Ser). In summary, the available evidence is currently insufficient to determine the role of this variant in disease. Therefore, it has been classified as a Variant of Uncertain Significance. Algorithms developed to predict the effect of missense changes on protein structure and function are either unavailable or do not agree on the potential impact of this missense change (SIFT: "Deleterious"; PolyPhen-2: "Benign"; Align-GVGD: "Class C25").

Human Genome Sequencing Center Clinical Lab, Baylor College of Medicine
Classification: Uncertain significance for Arrhythmogenic right ventricular dysplasia, type 5. Review status: criteria provided, single submitter. Criteria: ACMG Guidelines, 2015. Collection method: clinical testing. Allele origin: germline.

NM_024334.3(TMEM43):c.1019T>C (p.Phe340Ser)

Gene: TMEM43 (transmembrane protein 43; plus strand). Cytogenetic location: 3p25.1.
Variant type: single nucleotide variant.
Coding change: c.1019T>C on transcript NM_024334.3 (MANE Select); coding-DNA position 1019, T replaced by C.
Protein change: p.Phe340Ser; replaces phenylalanine 340 with serine.
Molecular consequence: missense variant.
Genome position (GRCh38, 1-based): chr3:14,141,611, T>C. VCF-style: chr3-14141611-T-C. GRCh37 (hg19) VCF-style: chr3-14183111-T-C.
Other names: short protein forms F340S.
Identifiers: ClinVar variation 629629 (VCV000629629.11), dbSNP rs1559363663, ClinGen allele CA351536383.